The following is an entry in ClinVar:

NM_004963.4(GUCY2C):c.18G>T (p.Leu6Phe)

Genes: GUCY2C (guanylate cyclase 2C; minus strand), GUCY2C-AS1 (GUCY2C antisense RNA 1; plus strand). Cytogenetic location: 12p12.3.
Variant type: single nucleotide variant.
Coding change: c.18G>T on transcript NM_004963.4 (MANE Select); coding-DNA position 18, G replaced by T.
Protein change: p.Leu6Phe; replaces leucine 6 with phenylalanine.
Molecular consequence: missense variant.
Genome position (GRCh38, 1-based): chr12:14,696,431, C>A on the plus strand (G>T on the coding strand, the complement: GUCY2C is on the minus strand). VCF-style: chr12-14696431-C-A. GRCh37 (hg19) VCF-style: chr12-14849365-C-A.
Other names: short protein forms L6F.
Identifiers: ClinVar variation 1443039 (VCV001443039.6), dbSNP rs774673667, ClinGen allele CA6463862.
Genomic context (GRCh38, chr12:14,696,431, plus strand): 5'-CACCTGGGAACTAAAGGACAGCCACCCGGGCTGGAAGAGCAGTGACCACAAAGCCAAGTC[C>A]AACAGCAACGTCTTCATGACCCCAATCACGTTAGAACCATACTCCTTGTGCCCACTTGCT-3'
Protein context (NP_004954.2, residues 1-16): MKTLL[Leu6Phe]DLALWSLLFQ

ClinVar aggregate classification (germline): Uncertain significance (1 of 4 stars; one submission).

Allele frequency attached by ClinVar (database versions not stated): ExAC 0.00002; gnomAD exomes 0.00002 and 0.00004; TOPMed 0.00002; gnomAD 0.00003.
gnomAD v4.1: 64 of 1,613,590 alleles (0.004%); highest among the groups gnomAD compares: Non-Finnish European, 0.0051%; no homozygotes.

Submission:

Labcorp Genetics (formerly Invitae), Labcorp
Classification: Uncertain significance. Last evaluated: 2025-06-04. Review status: criteria provided, single submitter. Criteria: Invitae Variant Classification Sherloc (09022015). Collection method: clinical testing. Allele origin: germline.
Comment: This sequence change replaces leucine, which is neutral and non-polar, with phenylalanine, which is neutral and non-polar, at codon 6 of the GUCY2C protein (p.Leu6Phe). This variant is present in population databases (rs774673667, gnomAD 0.004%). This variant has not been reported in the literature in individuals affected with GUCY2C-related conditions. ClinVar contains an entry for this variant (Variation ID: 1443039). An algorithm developed to predict the effect of missense changes on protein structure and function (PolyPhen-2) suggests that this variant is likely to be tolerated. Algorithms developed to predict the effect of sequence changes on RNA splicing suggest that this variant may create or strengthen a splice site. In summary, the available evidence is currently insufficient to determine the role of this variant in disease. Therefore, it has been classified as a Variant of Uncertain Significance.